The following is an entry in ClinVar:

ClinVar aggregate classification (germline): Conflicting classifications of pathogenicity. Review status: criteria provided, conflicting classifications (1 of 4 stars). 4 submissions from 4 submitters: Uncertain significance (3); Benign (1). Last evaluated 2025-01-31.

Conditions:
Spastic paraplegia. Identifiers: MedGen C0037772, HP:0001258.
Charlevoix-Saguenay spastic ataxia (SACS). Also called: SPASTIC ATAXIA 6, AUTOSOMAL RECESSIVE; AUTOSOMAL RECESSIVE SPASTIC ATAXIA OF CHARLEVOIX-SAGUENAY; Spastic ataxia of Charlevoix-Saguenay. Identifiers: Orphanet 98, MedGen C1849140, MONDO:0010041, OMIM 270550.

Allele frequency attached by ClinVar (database versions not stated): ExAC 0.00002; TOPMed below 0.00001; gnomAD exomes 0.00002; gnomAD 0.00001 and 0.00002.
gnomAD v4.1: 34 of 1,614,030 alleles (0.0021%); highest among the groups gnomAD compares: East Asian, 0.069%; no homozygotes.

Submissions (4):

Athena Diagnostics
Classification: Uncertain significance. Last evaluated: 2025-01-31. Review status: criteria provided, single submitter. Criteria: Athena Diagnostics Criteria. Collection method: clinical testing. Allele origin: unknown.
Comment: Available data are insufficient to determine the clinical significance of the variant at this time. The frequency of this variant in the general population is uninformative in assessment of its pathogenicity. Polyphen and MutationTaster predict this amino acid change may be benign.

Labcorp Genetics (formerly Invitae), Labcorp
Classification: Benign for Spastic paraplegia. Last evaluated: 2023-10-27. Review status: criteria provided, single submitter. Criteria: Invitae Variant Classification Sherloc (09022015). Collection method: clinical testing. Allele origin: germline.

Fulgent Genetics
Classification: Uncertain significance for Charlevoix-Saguenay spastic ataxia. Last evaluated: 2022-01-14. Review status: criteria provided, single submitter. Criteria: ACMG Guidelines, 2015. Collection method: clinical testing. Allele origin: unknown.

Illumina Laboratory Services, Illumina
Classification: Uncertain significance for Charlevoix-Saguenay spastic ataxia. Last evaluated: 2018-01-13. Review status: criteria provided, single submitter. Criteria: ICSL Variant Classification Criteria 13 December 2019. Collection method: clinical testing. Allele origin: germline.

NM_014363.6(SACS):c.944A>G (p.Asp315Gly)

Gene: SACS (sacsin molecular chaperone; minus strand). Cytogenetic location: 13q12.12.
Variant type: single nucleotide variant.
Coding change: c.944A>G on transcript NM_014363.6 (MANE Select); coding-DNA position 944, A replaced by G.
Protein change: p.Asp315Gly; replaces aspartic acid 315 with glycine.
Molecular consequence: missense variant.
Genome position (GRCh38, 1-based): chr13:23,355,668, T>C on the plus strand (A>G on the coding strand, the complement: SACS is on the minus strand). VCF-style: chr13-23355668-T-C. GRCh37 (hg19) VCF-style: chr13-23929807-T-C.
Other names: c.503A>G, p.Asp168Gly (NM_001278055.2); c.944A>G (NM_014363.4); short protein forms D315G, D168G.
Identifiers: ClinVar variation 311570 (VCV000311570.11), dbSNP rs771115225, ClinGen allele CA6912001.